The following is an entry in ClinVar:

NM_024334.3(TMEM43):c.-11C>G

Gene: TMEM43 (transmembrane protein 43; plus strand). Cytogenetic location: 3p25.1.
Variant type: single nucleotide variant.
Coding change: c.-11C>G on transcript NM_024334.3 (MANE Select); 11 bases upstream of the start codon, C replaced by G.
Molecular consequence: 5 prime UTR variant.
Genome position (GRCh38, 1-based): chr3:14,125,183, C>G. VCF-style: chr3-14125183-C-G. GRCh37 (hg19) VCF-style: chr3-14166683-C-G.
Other names: c.-11C>G (NM_001407274.1, NM_001407275.1, NM_001407276.1 and 4 more transcripts).
Identifiers: ClinVar variation 3768664 (VCV003768664.1).
Genomic context (GRCh38, chr3:14,125,183, plus strand): 5'-ACCACGCTCCAGTCGTCAGCCCACTTCCTAGCTGAACAGCGCGAGGCGGCGGCAGCGAGC[C>G]GGGTCCCACCATGGCCGCGAATGTGAGTATCCCCGGGCCAGCCGGGCCACACCCAGGCTT-3'

ClinVar aggregate classification (germline): Uncertain significance (1 of 4 stars; one submission).

Submission:

Women's Health and Genetics/Laboratory Corporation of America, LabCorp
Classification: Uncertain significance. Last evaluated: 2025-02-10. Review status: criteria provided, single submitter. Criteria: LabCorp Variant Classification Summary - May 2015. Collection method: clinical testing. Allele origin: germline.
Comment: Variant summary: TMEM43 c.-11C>G is located in the untranslated mRNA region upstream of the initiation codon. The variant allele was found at a frequency of 4.2e-06 in 238362 control chromosomes. The available data on variant occurrences in the general population are insufficient to allow any conclusion about variant significance. To our knowledge, no occurrence of c.-11C>G in individuals affected with Arrhythmogenic Right Ventricular Dysplasia/Cardiomyopathy and no experimental evidence demonstrating its impact on protein function have been reported. No submitters have cited clinical-significance assessments for this variant to ClinVar. Based on the evidence outlined above, the variant was classified as uncertain significance.